The following is an entry in ClinVar:

ClinVar aggregate classification (germline): Uncertain significance (1 of 4 stars; one submission).

Conditions:
Early-infantile DEE. Also called: Early infantile epileptic encephalopathy; Ohtahara syndrome; Early infantile epileptic encephalopathy with suppression bursts. Identifiers: Orphanet 1934, MedGen C0393706, MONDO:0800491.

gnomAD v4.1: 1 of 1,518,308 alleles (0.000066%); highest among the groups gnomAD compares: Non-Finnish European, 0.000088%; no homozygotes.

Submission:

Labcorp Genetics (formerly Invitae), Labcorp
Classification: Uncertain significance for Early-infantile DEE. Last evaluated: 2024-02-10. Review status: criteria provided, single submitter. Criteria: Invitae Variant Classification Sherloc (09022015). Collection method: clinical testing. Allele origin: germline.
Comment: This sequence change replaces proline, which is neutral and non-polar, with leucine, which is neutral and non-polar, at codon 746 of the KCNQ2 protein (p.Pro746Leu). This variant is not present in population databases (gnomAD no frequency). This variant has not been reported in the literature in individuals affected with KCNQ2-related conditions. An algorithm developed to predict the effect of missense changes on protein structure and function (PolyPhen-2) suggests that this variant is likely to be disruptive. In summary, the available evidence is currently insufficient to determine the role of this variant in disease. Therefore, it has been classified as a Variant of Uncertain Significance.

NM_172107.4(KCNQ2):c.2237C>T (p.Pro746Leu)

Gene: KCNQ2 (potassium voltage-gated channel subfamily Q member 2; minus strand). Cytogenetic location: 20q13.33.
Variant type: single nucleotide variant.
Coding change: c.2237C>T on transcript NM_172107.4 (MANE Select); coding-DNA position 2237, C replaced by T.
Protein change: p.Pro746Leu; replaces proline 746 with leucine.
Molecular consequence: missense variant.
Genome position (GRCh38, 1-based): chr20:63,407,026, G>A on the plus strand (C>T on the coding strand, the complement: KCNQ2 is on the minus strand). VCF-style: chr20-63407026-G-A. GRCh37 (hg19) VCF-style: chr20-62038379-G-A.
Other names: c.2291C>T, p.Pro764Leu (NM_001382235.1); c.2153C>T, p.Pro718Leu (NM_004518.6); c.2183C>T, p.Pro728Leu (NM_172106.3); c.2144C>T, p.Pro715Leu (NM_172108.5); short protein forms P728L, P746L, P718L, P715L, P764L.
Identifiers: ClinVar variation 3639993 (VCV003639993.2).